The following is an entry in ClinVar:

NM_033453.4(ITPA):c.580G>T (p.Ala194Ser)

Gene: ITPA (inosine triphosphatase; plus strand). Cytogenetic location: 20p13.
Variant type: single nucleotide variant.
Coding change: c.580G>T on transcript NM_033453.4 (MANE Select); coding-DNA position 580, G replaced by T.
Protein change: p.Ala194Ser; replaces alanine 194 with serine.
Molecular consequence: missense variant. On other transcripts: non-coding transcript variant (2), intron variant (1).
Genome position (GRCh38, 1-based): chr20:3,223,457, G>T. VCF-style: chr20-3223457-G-T. GRCh37 (hg19) VCF-style: chr20-3204103-G-T.
Other names: c.457G>T, p.Ala153Ser (NM_001267623.2); c.243G>T, p.Gln81His (NM_001324236.2, NM_001324237.2, NM_001324238.2 and 1 more transcripts); c.627G>T, p.Gln209His (NM_001424408.1); c.706G>T, p.Ala236Ser (NM_001424409.1); c.529G>T, p.Ala177Ser (NM_181493.4); c.412-3226G>T (NM_001324240.2); short protein forms Q81H, A153S, A177S, A194S, A236S, Q209H.
Identifiers: ClinVar variation 1943431 (VCV001943431.5), dbSNP rs2122462600, ClinGen allele CA408081891.

ClinVar aggregate classification (germline): Uncertain significance (1 of 4 stars; one submission).

Conditions:
Inosine triphosphatase deficiency. Also called: INOSINE TRIPHOSPHATE PYROPHOSPHOHYDROLASE DEFICIENCY. Identifiers: MedGen C0342800, MONDO:0013461, OMIM 613850.

Allele frequency attached by ClinVar (database versions not stated): gnomAD exomes below 0.00001.
gnomAD v4.1: 1 of 1,611,934 alleles (0.000062%); highest among the groups gnomAD compares: Non-Finnish European, 0.000085%; no homozygotes.

Submission:

Labcorp Genetics (formerly Invitae), Labcorp
Classification: Uncertain significance for Inosine triphosphatase deficiency. Last evaluated: 2022-07-25. Review status: criteria provided, single submitter. Criteria: Invitae Variant Classification Sherloc (09022015). Collection method: clinical testing. Allele origin: germline.
Comment: In summary, the available evidence is currently insufficient to determine the role of this variant in disease. Therefore, it has been classified as a Variant of Uncertain Significance. Algorithms developed to predict the effect of missense changes on protein structure and function (SIFT, PolyPhen-2, Align-GVGD) all suggest that this variant is likely to be tolerated. This variant has not been reported in the literature in individuals affected with ITPA-related conditions. This variant is not present in population databases (gnomAD no frequency). This sequence change replaces alanine, which is neutral and non-polar, with serine, which is neutral and polar, at codon 194 of the ITPA protein (p.Ala194Ser).